The following is an entry in ClinVar:

NM_000257.4(MYH7):c.167G>T (p.Gly56Val)

Gene: MYH7 (myosin heavy chain 7; minus strand). Cytogenetic location: 14q11.2.
Variant type: single nucleotide variant.
Coding change: c.167G>T on transcript NM_000257.4 (MANE Select); coding-DNA position 167, G replaced by T.
Protein change: p.Gly56Val; replaces glycine 56 with valine.
Molecular consequence: missense variant.
Genome position (GRCh38, 1-based): chr14:23,433,566, C>A on the plus strand (G>T on the coding strand, the complement: MYH7 is on the minus strand). VCF-style: chr14-23433566-C-A. GRCh37 (hg19) VCF-style: chr14-23902775-C-A.
Other names: short protein forms G56V.
Identifiers: ClinVar variation 854305 (VCV000854305.9), dbSNP rs727504870, ClinGen allele CA389053687.
Genomic context (GRCh38, chr14:23,433,566, plus strand): 5'-GACTCTCACATCAGCCTGACACCCACCTTGCCATACTCGGTCTCGGCAGTGACTTTGCCA[C>A]CCTCTCGAGACACGATCTTGGCCTTGACAAACTCCTGTTTGTCATCAGGCACGAAGACAT-3'
Protein context (NP_000248.2, residues 46-66): FVKAKIVSRE[Gly56Val]GKVTAETEYG

ClinVar aggregate classification (germline): Uncertain significance (1 of 4 stars; one submission).

Conditions:
Hypertrophic cardiomyopathy. Also called: HYPERTROPHIC MYOCARDIOPATHY. Identifiers: Orphanet 217569, MedGen C0007194, MeSH D002312, MONDO:0005045, HP:0001639.

Submission:

Labcorp Genetics (formerly Invitae), Labcorp
Classification: Uncertain significance for Hypertrophic cardiomyopathy. Last evaluated: 2019-02-21. Review status: criteria provided, single submitter. Criteria: Invitae Variant Classification Sherloc (09022015). Collection method: clinical testing. Allele origin: germline.
Comment: In summary, the available evidence is currently insufficient to determine the role of this variant in disease. Therefore, it has been classified as a Variant of Uncertain Significance. Algorithms developed to predict the effect of sequence changes on RNA splicing suggest that this variant may create or strengthen a splice site, but this prediction has not been confirmed by published transcriptional studies. Algorithms developed to predict the effect of missense changes on protein structure and function are either unavailable or do not agree on the potential impact of this missense change (SIFT: "Deleterious"; PolyPhen-2: "Probably Damaging"; Align-GVGD: "Class C0"). This variant has not been reported in the literature in individuals with MYH7-related conditions. This variant is not present in population databases (ExAC no frequency). This sequence change replaces glycine with valine at codon 56 of the MYH7 protein (p.Gly56Val). The glycine residue is highly conserved and there is a moderate physicochemical difference between glycine and valine.